The following is an entry in ClinVar:

NM_022114.4(PRDM16):c.2771C>G (p.Pro924Arg)

Gene: PRDM16 (PR/SET domain 16; plus strand). Cytogenetic location: 1p36.32.
Variant type: single nucleotide variant.
Coding change: c.2771C>G on transcript NM_022114.4 (MANE Select); coding-DNA position 2771, C replaced by G.
Protein change: p.Pro924Arg; replaces proline 924 with arginine.
Molecular consequence: missense variant.
Genome position (GRCh38, 1-based): chr1:3,417,907, C>G. VCF-style: chr1-3417907-C-G. GRCh37 (hg19) VCF-style: chr1-3334471-C-G.
Other names: c.2771C>G, p.Pro924Arg (NM_199454.3); short protein forms P924R.
Identifiers: ClinVar variation 835926 (VCV000835926.9), dbSNP rs776849795, ClinGen allele CA544598.

ClinVar aggregate classification (germline): Uncertain significance (1 of 4 stars; one submission).

Conditions:
Left ventricular noncompaction 8 (LVNC8). Identifiers: Orphanet 154, Orphanet 54260, MedGen C3809288, MONDO:0014152, OMIM 615373.

Allele frequency attached by ClinVar (database versions not stated): ExAC 0.00001; gnomAD 0.00001.
gnomAD v4.1: 2 of 1,612,650 alleles (0.00012%); highest among the groups gnomAD compares: Admixed American, 0.0033%; no homozygotes.

Submission:

Labcorp Genetics (formerly Invitae), Labcorp
Classification: Uncertain significance for Left ventricular noncompaction 8. Last evaluated: 2025-12-14. Review status: criteria provided, single submitter. Criteria: Invitae Variant Classification Sherloc (09022015). Collection method: clinical testing. Allele origin: germline.
Comment: This sequence change replaces proline, which is neutral and non-polar, with arginine, which is basic and polar, at codon 924 of the PRDM16 protein (p.Pro924Arg). This variant is present in population databases (rs776849795, gnomAD 0.005%). This variant has not been reported in the literature in individuals affected with PRDM16-related conditions. ClinVar contains an entry for this variant (Variation ID: 835926). An algorithm developed to predict the effect of missense changes on protein structure and function (PolyPhen-2) suggests that this variant is likely to be tolerated. In summary, the available evidence is currently insufficient to determine the role of this variant in disease. Therefore, it has been classified as a Variant of Uncertain Significance.